The following is an entry in ClinVar:

NM_000218.3(KCNQ1):c.1393+30898T>C

Genes: KCNQ1 (potassium voltage-gated channel subfamily Q member 1; plus strand), KCNQ1OT1 (KCNQ1 opposite strand/antisense transcript 1; minus strand). Cytogenetic location: 11p15.5.
Variant type: single nucleotide variant.
Coding change: c.1393+30898T>C on transcript NM_000218.3 (MANE Select); 30898 bases into the intron after coding-DNA position 1393, T replaced by C.
Molecular consequence: intron variant. On other transcripts: non-coding transcript variant (1).
Genome position (GRCh38, 1-based): chr11:2,619,752, T>C. VCF-style: chr11-2619752-T-C. GRCh37 (hg19) VCF-style: chr11-2640982-T-C.
Other names: c.1123+30898T>C (NM_001406837.1); c.1297+30898T>C (NM_001406836.1); c.853+30898T>C (NM_001406838.1); c.1012+30898T>C (NM_181798.2).
Identifiers: ClinVar variation 3250974 (VCV003250974.18), dbSNP rs575207808.

ClinVar aggregate classification (germline): Benign (1 of 4 stars; one submission).

Allele frequency attached by ClinVar (database versions not stated): gnomAD exomes 0.00015; gnomAD 0.00113; 1000 Genomes Project 30x 0.00125; TOPMed 0.00130; 1000 Genomes Project 0.00160.
gnomAD v4.1: 211 of 398,464 alleles (0.053%); highest among the groups gnomAD compares: African/African-American, 0.4%; no homozygotes.

Submission:

CeGaT Center for Human Genetics Tuebingen
Classification: Benign. Last evaluated: 2024-07-01. Review status: criteria provided, single submitter. Criteria: CeGaT Center For Human Genetics Tuebingen Variant Classification Criteria Version 2. Collection method: clinical testing. Allele origin: germline. Affected: yes. Observed: 1 variant allele.
Comment: KCNQ1OT1: BS1, BS2